The following is an entry in ClinVar:

NM_001360.3(DHCR7):c.71C>A (p.Ala24Glu)

Gene: DHCR7 (7-dehydrocholesterol reductase; minus strand). Cytogenetic location: 11q13.4.
Variant type: single nucleotide variant.
Coding change: c.71C>A on transcript NM_001360.3 (MANE Select); coding-DNA position 71, C replaced by A.
Protein change: p.Ala24Glu; replaces alanine 24 with glutamic acid.
Molecular consequence: missense variant.
Genome position (GRCh38, 1-based): chr11:71,444,882, G>T on the plus strand (C>A on the coding strand, the complement: DHCR7 is on the minus strand). VCF-style: chr11-71444882-G-T. GRCh37 (hg19) VCF-style: chr11-71155928-G-T.
Other names: c.71C>A, p.Ala24Glu (NM_001163817.2); short protein forms A24E.
Identifiers: ClinVar variation 1693399 (VCV001693399.4), dbSNP rs530687139, ClinGen allele CA6162715.

ClinVar aggregate classification (germline): Uncertain significance. Review status: criteria provided, multiple submitters, no conflicts (2 of 4 stars). 2 submissions from 2 submitters: Uncertain significance (2). Last evaluated 2023-08-08.

Conditions:
Inborn genetic diseases. Identifiers: MedGen C0950123, MeSH D030342.

Allele frequency attached by ClinVar (database versions not stated): gnomAD 0.00001; ExAC 0.00003; 1000 Genomes Project 30x 0.00016; 1000 Genomes Project 0.00020.
gnomAD v4.1: 11 of 1,614,202 alleles (0.00068%); highest among the groups gnomAD compares: South Asian, 0.011%; no homozygotes.

Submissions (2):

Ambry Genetics
Classification: Uncertain significance for Inborn genetic diseases. Last evaluated: 2023-08-08. Review status: criteria provided, single submitter. Criteria: Ambry Variant Classification Scheme 2023. Collection method: clinical testing. Allele origin: germline.

GeneDx
Classification: Uncertain significance. Last evaluated: 2021-12-29. Review status: criteria provided, single submitter. Criteria: GeneDx Variant Classification Process June 2021. Collection method: clinical testing. Allele origin: germline. Affected: yes.
Comment: In silico analysis supports that this missense variant does not alter protein structure/function; Has not been previously published as pathogenic or benign to our knowledge